The following is an entry in ClinVar:

ClinVar aggregate classification (germline): Uncertain significance. Review status: criteria provided, multiple submitters, no conflicts (2 of 4 stars). 2 submissions from 2 submitters: Uncertain significance (2). Last evaluated 2025-04-17.

Conditions:
POLD1-related polyposis and colorectal cancer syndrome (CRCS10). Also called: Colorectal cancer 10; COLORECTAL CANCER, SUSCEPTIBILITY TO, ON CHROMOSOME 19q; Colorectal cancer, susceptibility to, 10. Identifiers: Orphanet 220460, MedGen C2675481, MONDO:0012953, OMIM 612591.
Hereditary cancer-predisposing syndrome. Also called: Hereditary neoplastic syndrome; Tumor predisposition; Neoplastic Syndromes, Hereditary; Hereditary Cancer Syndrome. Identifiers: Orphanet 140162, MedGen C0027672, MeSH D009386, MONDO:0015356.

Allele frequency attached by ClinVar (database versions not stated): gnomAD exomes below 0.00001.
gnomAD v4.1: 1 of 1,598,072 alleles (0.000063%); no homozygotes.

Submissions (2):

Ambry Genetics
Classification: Uncertain significance for Hereditary cancer-predisposing syndrome. Last evaluated: 2025-04-17. Review status: criteria provided, single submitter. Criteria: Ambry Variant Classification Scheme 2023. Collection method: clinical testing. Allele origin: germline.
Comment: The p.W23R variant (also known as c.67T>C), located in coding exon 1 of the POLD1 gene, results from a T to C substitution at nucleotide position 67. The tryptophan at codon 23 is replaced by arginine, an amino acid with dissimilar properties. This amino acid position is conserved. In addition, this alteration is predicted to be tolerated by in silico analysis. Since supporting evidence is limited at this time, the clinical significance of this alteration remains unclear.

Labcorp Genetics (formerly Invitae), Labcorp
Classification: Uncertain significance for POLD1-related polyposis and colorectal cancer syndrome. Last evaluated: 2024-09-29. Review status: criteria provided, single submitter. Criteria: Invitae Variant Classification Sherloc (09022015). Collection method: clinical testing. Allele origin: germline.
Comment: This sequence change replaces tryptophan, which is neutral and slightly polar, with arginine, which is basic and polar, at codon 23 of the POLD1 protein (p.Trp23Arg). The frequency data for this variant in the population databases is considered unreliable, as metrics indicate poor data quality at this position in the gnomAD database. This variant has not been reported in the literature in individuals affected with POLD1-related conditions. ClinVar contains an entry for this variant (Variation ID: 952034). An algorithm developed to predict the effect of missense changes on protein structure and function (PolyPhen-2) suggests that this variant is likely to be tolerated. In summary, the available evidence is currently insufficient to determine the role of this variant in disease. Therefore, it has been classified as a Variant of Uncertain Significance.

NM_002691.4(POLD1):c.67T>C (p.Trp23Arg)

Gene: POLD1 (DNA polymerase delta 1, catalytic subunit; plus strand). Cytogenetic location: 19q13.33.
Variant type: single nucleotide variant.
Coding change: c.67T>C on transcript NM_002691.4 (MANE Select); coding-DNA position 67, T replaced by C.
Protein change: p.Trp23Arg; replaces tryptophan 23 with arginine.
Molecular consequence: missense variant. On other transcripts: non-coding transcript variant (1).
Genome position (GRCh38, 1-based): chr19:50,398,918, T>C. VCF-style: chr19-50398918-T-C. GRCh37 (hg19) VCF-style: chr19-50902175-T-C.
Other names: c.67T>C, p.Trp23Arg (NM_001256849.1, NM_001308632.1); short protein forms W23R.
Identifiers: ClinVar variation 952034 (VCV000952034.13), dbSNP rs1189793004, ClinGen allele CA406970069.